The following is an entry in ClinVar:

ClinVar aggregate classification (germline): Benign/Likely benign. Review status: criteria provided, multiple submitters, no conflicts (2 of 4 stars). 4 submissions from 4 submitters: Benign (2); Likely benign (1). 1 of the submissions does not count toward it. Last evaluated 2025-11-01.

Conditions:
KLHL3-related disorder. Also called: KLHL3-related condition.
Pseudohypoaldosteronism type 2D (PHA2D). Also called: Pseudohypoaldosteronism Type IID; FAMILIAL HYPERKALEMIC HYPERTENSION; PSEUDOHYPOALDOSTERONISM, TYPE IID, AUTOSOMAL DOMINANT OR RECESSIVE. Identifiers: Orphanet 300525, Orphanet 757, MedGen C3469605, MONDO:0013781, OMIM 614495.

Allele frequency attached by ClinVar (database versions not stated): ExAC 0.00058; gnomAD exomes 0.00061; ESP Exome Variant Server 0.00161; gnomAD 0.00164 and 0.00176; TOPMed 0.00189; 1000 Genomes Project 0.00240; 1000 Genomes Project 30x 0.00265.
gnomAD v4.1: 636 of 1,599,080 alleles (0.04%); highest among the groups gnomAD compares: African/African-American, 0.44%; 2 homozygotes.

Submissions (4):

Labcorp Genetics (formerly Invitae), Labcorp
Classification: Benign. Last evaluated: 2025-11-01. Review status: criteria provided, single submitter. Criteria: Invitae Variant Classification Sherloc (09022015). Collection method: clinical testing. Allele origin: germline.

Blueprint Genetics
Classification: Likely benign. Last evaluated: 2024-08-07. Review status: criteria provided, single submitter. Criteria: ACMG Guidelines, 2015. Collection method: clinical testing. Allele origin: germline.

Illumina Laboratory Services, Illumina
Classification: Benign for Pseudohypoaldosteronism type 2D. Last evaluated: 2018-01-12. Review status: criteria provided, single submitter. Criteria: ICSL Variant Classification Criteria 13 December 2019. Collection method: clinical testing. Allele origin: germline.
Comment: This variant was observed in the ICSL laboratory as part of a predisposition screen in an ostensibly healthy population. It had not been previously curated by ICSL or reported in the Human Gene Mutation Database (HGMD: prior to June 1st, 2018), and was therefore a candidate for classification through an automated scoring system. Utilizing variant allele frequency, disease prevalence and penetrance estimates, and inheritance mode, an automated score was calculated to assess if this variant is too frequent to cause the disease. Based on the score and internal cut-off values, a variant classified as benign is not then subjected to further curation. The score for this variant resulted in a classification of benign for this disease.

PreventionGenetics, part of Exact Sciences
Classification: Likely benign for KLHL3-related condition. Last evaluated: 2019-07-03. Review status: no assertion criteria provided. Collection method: clinical testing. Allele origin: germline. Not counted in ClinVar's aggregate classification.
Comment: This variant is classified as likely benign based on ACMG/AMP sequence variant interpretation guidelines (Richards et al. 2015 PMID: 25741868, with internal and published modifications).

NM_017415.3(KLHL3):c.627A>G (p.Ser209=)

Gene: KLHL3 (kelch like family member 3; minus strand). Cytogenetic location: 5q31.2.
Variant type: single nucleotide variant.
Coding change: c.627A>G on transcript NM_017415.3 (MANE Select); coding-DNA position 627, A replaced by G.
Protein change: p.Ser209=; no amino-acid change (serine 209 retained).
Molecular consequence: synonymous variant.
Genome position (GRCh38, 1-based): chr5:137,677,554, T>C on the plus strand (A>G on the coding strand, the complement: KLHL3 is on the minus strand). VCF-style: chr5-137677554-T-C. GRCh37 (hg19) VCF-style: chr5-137013243-T-C.
Other names: c.531A>G, p.Ser177= (NM_001257194.1); c.381A>G, p.Ser127= (NM_001257195.2).
Identifiers: ClinVar variation 903680 (VCV000903680.11), dbSNP rs143713380, ClinGen allele CA3422442.